The following is an entry in ClinVar:

ClinVar aggregate classification (germline): Pathogenic (1 of 4 stars; one submission).

Submission:

Labcorp Genetics (formerly Invitae), Labcorp
Classification: Pathogenic. Last evaluated: 2023-06-17. Review status: criteria provided, single submitter. Criteria: Invitae Variant Classification Sherloc (09022015). Collection method: clinical testing. Allele origin: germline.
Comment: This sequence change creates a premature translational stop signal (p.Gln2036*) in the ADGRV1 gene. It is expected to result in an absent or disrupted protein product. Loss-of-function variants in ADGRV1 are known to be pathogenic (PMID: 19357117, 22135276, 22147658, 26226137, 30718709, 31047384, 32467589). This variant is not present in population databases (gnomAD no frequency). This variant has not been reported in the literature in individuals affected with ADGRV1-related conditions. For these reasons, this variant has been classified as Pathogenic.

Literature cited by the submitters: PubMed 19357117; PubMed 22135276; PubMed 22147658; PubMed 26226137; PubMed 30718709; PubMed 31047384; PubMed 32467589.

NM_032119.4(ADGRV1):c.6106C>T (p.Gln2036Ter)

Gene: ADGRV1 (adhesion G protein-coupled receptor V1; plus strand). Cytogenetic location: 5q14.3.
Variant type: single nucleotide variant.
Coding change: c.6106C>T on transcript NM_032119.4 (MANE Select); coding-DNA position 6106, C replaced by T.
Protein change: p.Gln2036Ter; replaces glutamine 2036 with a stop codon.
Molecular consequence: nonsense. On other transcripts: non-coding transcript variant (1).
Genome position (GRCh38, 1-based): chr5:90,684,027, C>T. VCF-style: chr5-90684027-C-T. GRCh37 (hg19) VCF-style: chr5-89979844-C-T.
Other names: short protein forms Q2036*.
Identifiers: ClinVar variation 2718474 (VCV002718474.3), dbSNP rs2530824762, ClinGen allele CA360414139.
Genomic context (GRCh38, chr5:90,684,027, plus strand): 5'-GCAACACTAGATGATATGGAAAAACCACCTTATTTTCCACCTAATTTAGCGAGAGCAACT[C>T]AAGGAAGAGACTATATACCAGCTTCTGGATTTGCTCTTTTTGGAGCTAATCAGAGTGAGG-3'